The following is an entry in ClinVar:

ClinVar aggregate classification (germline): Uncertain significance (1 of 4 stars; one submission).

Conditions:
Hereditary cancer-predisposing syndrome. Also called: Neoplastic Syndromes, Hereditary; Tumor predisposition; Hereditary neoplastic syndrome; Hereditary Cancer Syndrome. Identifiers: Orphanet 140162, MedGen C0027672, MeSH D009386, MONDO:0015356.

Submission:

Ambry Genetics
Classification: Uncertain significance for Hereditary cancer-predisposing syndrome. Last evaluated: 2026-07-07. Review status: criteria provided, single submitter. Criteria: Ambry Variant Classification Scheme 2023. Collection method: clinical testing. Allele origin: germline.
Comment: The p.D15V variant (also known as c.44A>T), located in coding exon 1 of the TSC1 gene, results from an A to T substitution at nucleotide position 44. The aspartic acid at codon 15 is replaced by valine, an amino acid with highly dissimilar properties. This amino acid position is conserved. In addition, this alteration is predicted to be deleterious by in silico analysis. Based on the available evidence, the clinical significance of this variant remains unclear.

NM_000368.5(TSC1):c.44A>T (p.Asp15Val)

Gene: TSC1 (TSC complex subunit 1; minus strand). Cytogenetic location: 9q34.13.
Variant type: single nucleotide variant.
Coding change: c.44A>T on transcript NM_000368.5 (MANE Select); coding-DNA position 44, A replaced by T.
Protein change: p.Asp15Val; replaces aspartic acid 15 with valine.
Molecular consequence: missense variant. On other transcripts: non-coding transcript variant (5), intron variant (2), 5 prime UTR variant (16).
Genome position (GRCh38, 1-based): chr9:132,928,829, T>A on the plus strand (A>T on the coding strand, the complement: TSC1 is on the minus strand). VCF-style: chr9-132928829-T-A. GRCh37 (hg19) VCF-style: chr9-135804216-T-A.
Other names: c.-153-3090A>T (NM_001406620.1, NM_001406618.1); c.44A>T, p.Asp15Val (NM_001162426.2, NM_001162427.2, NM_001406592.1 and 21 more transcripts); c.-216A>T (NM_001362177.2, NM_001406617.1, NM_001406619.1 and 3 more transcripts); c.-308A>T (NM_001406614.1); c.-445A>T (NM_001406615.1, NM_001406623.1); c.-412A>T (NM_001406616.1, NM_001406624.1); c.-834A>T (NM_001406626.1, NM_001406627.1, NM_001406628.1); c.-976A>T (NM_001406629.1); and 1 more; short protein forms D15V.
Identifiers: ClinVar variation 5031231 (VCV005031231.1).